The following is an entry in ClinVar:

NM_000065.5(C6):c.1352dup (p.Tyr451Ter)

Gene: C6 (complement C6; minus strand). Cytogenetic location: 5p13.1.
Variant type: Duplication.
Coding change: c.1352dup on transcript NM_000065.5 (MANE Select); coding-DNA position 1352, one base duplicated (A; older notation c.1352dupA).
Protein change: p.Tyr451Ter; replaces tyrosine 451 with a stop codon.
Molecular consequence: nonsense.
Genome position (GRCh38, 1-based): chr5:41,161,799, T duplicated on the plus strand (A on the coding strand, the reverse complement: C6 is on the minus strand). VCF-style (leftmost placement, unchanged base first): chr5-41161798-A-AT. GRCh37 (hg19) VCF-style: chr5-41161900-A-AT.
Other names: c.1352dup, p.Tyr451Ter (NM_001115131.4); short protein forms Y451*.
Identifiers: ClinVar variation 2894375 (VCV002894375.3), dbSNP rs779825789, ClinGen allele CA3252490.

ClinVar aggregate classification (germline): Pathogenic/Likely pathogenic. Review status: criteria provided, multiple submitters, no conflicts (2 of 4 stars). 2 submissions from 2 submitters: Pathogenic (1); Likely pathogenic (1). Last evaluated 2025-09-09.

Conditions:
Complement component 6 deficiency (C6D). Also called: C6 DEFICIENCY. Identifiers: MedGen C2676232, MONDO:0012908, OMIM 612446.

Allele frequency attached by ClinVar (database versions not stated): gnomAD 0.00006; ExAC 0.00022; TOPMed below 0.00001; gnomAD exomes 0.00010.

Submissions (2):

Labcorp Genetics (formerly Invitae), Labcorp
Classification: Pathogenic. Last evaluated: 2025-09-09. Review status: criteria provided, single submitter. Criteria: Invitae Variant Classification Sherloc (09022015). Collection method: clinical testing. Allele origin: germline.
Comment: This sequence change creates a premature translational stop signal (p.Tyr451*) in the C6 gene. It is expected to result in an absent or disrupted protein product. Loss-of-function variants in C6 are known to be pathogenic (PMID: 17257682). This variant is present in population databases (rs779825789, gnomAD 0.2%). This variant has not been reported in the literature in individuals affected with C6-related conditions. ClinVar contains an entry for this variant (Variation ID: 2894375). For these reasons, this variant has been classified as Pathogenic.

Neuberg Centre For Genomic Medicine, NCGM
Classification: Likely pathogenic for Complement component 6 deficiency. Review status: criteria provided, single submitter. Criteria: ACMG Guidelines, 2015. Collection method: clinical testing. Allele origin: germline. Inheritance: Autosomal recessive inheritance. Affected: yes.
Comment: This sequence change creates a premature translational stop signal (p.Tyr451Ter) in the C6 gene. It is expected to result in an absent or disrupted protein product. Loss-of-function is a known mechanism of disease in this gene. For these reasons, the variant has been classified as Likely Pathogenic. In the absence of another reportable variant in C6 gene, molecular diagnosis is not confirmed.

Literature cited by the submitters: PubMed 17257682 (cited by Labcorp Genetics (formerly Invitae), Labcorp).